The following is an entry in ClinVar:

ClinVar aggregate classification (germline): Uncertain significance. Review status: criteria provided, multiple submitters, no conflicts (2 of 4 stars). 2 submissions from 2 submitters: Uncertain significance (2). Last evaluated 2025-05-04.

Conditions:
Inborn genetic diseases. Identifiers: MedGen C0950123, MeSH D030342.

Allele frequency attached by ClinVar (database versions not stated): gnomAD exomes 0.00001.
gnomAD v4.1: 10 of 1,210,777 alleles (0.00083%); highest among the groups gnomAD compares: South Asian, 0.0053%; no homozygotes.

Submissions (2):

Ambry Genetics
Classification: Uncertain significance for Inborn genetic diseases. Last evaluated: 2025-05-04. Review status: criteria provided, single submitter. Criteria: Ambry Variant Classification Scheme 2023. Collection method: clinical testing. Allele origin: germline.

Labcorp Genetics (formerly Invitae), Labcorp
Classification: Uncertain significance. Last evaluated: 2023-06-10. Review status: criteria provided, single submitter. Criteria: Invitae Variant Classification Sherloc (09022015). Collection method: clinical testing. Allele origin: germline.
Comment: In summary, the available evidence is currently insufficient to determine the role of this variant in disease. Therefore, it has been classified as a Variant of Uncertain Significance. An algorithm developed to predict the effect of missense changes on protein structure and function (PolyPhen-2) suggests that this variant is likely to be disruptive. This variant has not been reported in the literature in individuals affected with FRMD7-related conditions. This variant is not present in population databases (gnomAD no frequency). This sequence change replaces leucine, which is neutral and non-polar, with valine, which is neutral and non-polar, at codon 291 of the FRMD7 protein (p.Leu291Val).

NM_194277.3(FRMD7):c.871C>G (p.Leu291Val)

Gene: FRMD7 (FERM domain containing 7; minus strand). Cytogenetic location: Xq26.2.
Variant type: single nucleotide variant.
Coding change: c.871C>G on transcript NM_194277.3 (MANE Select); coding-DNA position 871, C replaced by G.
Protein change: p.Leu291Val; replaces leucine 291 with valine.
Molecular consequence: missense variant.
Genome position (GRCh38, 1-based): chrX:132,082,397, G>C on the plus strand (C>G on the coding strand, the complement: FRMD7 is on the minus strand). VCF-style: chrX-132082397-G-C. GRCh37 (hg19) VCF-style: chrX-131216425-G-C.
Other names: c.826C>G, p.Leu276Val (NM_001306193.2); short protein forms L276V, L291V.
Identifiers: ClinVar variation 2957764 (VCV002957764.4), dbSNP rs2520730652, ClinGen allele CA414680379.